The following is an entry in ClinVar:

ClinVar aggregate classification (germline): Uncertain significance (1 of 4 stars; one submission).

Conditions:
Duchenne muscular dystrophy (DMD). Also called: Duchenne Muscular Dystrophy (DMD); MUSCULAR DYSTROPHY, PSEUDOHYPERTROPHIC PROGRESSIVE, DUCHENNE TYPE. Identifiers: Orphanet 98896, MedGen C0013264, MONDO:0010679, OMIM 310200.

Submission:

Labcorp Genetics (formerly Invitae), Labcorp
Classification: Uncertain significance for Duchenne muscular dystrophy. Last evaluated: 2021-08-27. Review status: criteria provided, single submitter. Criteria: Invitae Variant Classification Sherloc (09022015). Collection method: clinical testing. Allele origin: germline.
Comment: This sequence change replaces isoleucine with valine at codon 2557 of the DMD protein (p.Ile2557Val). The isoleucine residue is highly conserved and there is a small physicochemical difference between isoleucine and valine. This variant is not present in population databases (ExAC no frequency). This variant has not been reported in the literature in individuals affected with DMD-related conditions. Algorithms developed to predict the effect of missense changes on protein structure and function (SIFT, PolyPhen-2, Align-GVGD) all suggest that this variant is likely to be tolerated. In summary, the available evidence is currently insufficient to determine the role of this variant in disease. Therefore, it has been classified as a Variant of Uncertain Significance.

NM_004006.3(DMD):c.7669A>G (p.Ile2557Val)

Gene: DMD (dystrophin; minus strand). Cytogenetic location: Xp21.1.
Variant type: single nucleotide variant.
Coding change: c.7669A>G on transcript NM_004006.3 (MANE Select); coding-DNA position 7669, A replaced by G.
Protein change: p.Ile2557Val; replaces isoleucine 2557 with valine.
Molecular consequence: missense variant.
Genome position (GRCh38, 1-based): chrX:31,679,578, T>C on the plus strand (A>G on the coding strand, the complement: DMD is on the minus strand). VCF-style: chrX-31679578-T-C. GRCh37 (hg19) VCF-style: chrX-31697695-T-C.
Other names: c.7645A>G, p.Ile2549Val (NM_000109.4); c.7657A>G, p.Ile2553Val (NM_004009.3); c.7300A>G, p.Ile2434Val (NM_004010.3); c.3646A>G, p.Ile1216Val (NM_004011.4); c.3637A>G, p.Ile1213Val (NM_004012.4); c.289A>G, p.Ile97Val (NM_004013.3, NM_004020.4, NM_004021.3 and 2 more transcripts); short protein forms I2557V, I2549V, I2553V, I97V, I1216V, I1213V, I2434V.
Identifiers: ClinVar variation 569085 (VCV000569085.6), dbSNP rs1569221011, ClinGen allele CA412657009.